The following is an entry in ClinVar:

ClinVar aggregate classification (germline): Uncertain significance (1 of 4 stars; one submission).

gnomAD v4.1: 1 of 1,611,848 alleles (0.000062%); highest among the groups gnomAD compares: African/African-American, 0.0013%; no homozygotes.

Submission:

GeneDx
Classification: Uncertain significance. Last evaluated: 2025-02-21. Review status: criteria provided, single submitter. Criteria: GeneDx Variant Classification Process June 2021. Collection method: clinical testing. Allele origin: germline. Affected: yes.
Comment: Not observed at significant frequency in large population cohorts (gnomAD); In silico analysis supports that this missense variant has a deleterious effect on protein structure/function; Has not been previously published as pathogenic or benign to our knowledge

NM_001040716.2(PC):c.2338G>C (p.Val780Leu)

Gene: PC (pyruvate carboxylase; minus strand). Cytogenetic location: 11q13.2.
Variant type: single nucleotide variant.
Coding change: c.2338G>C on transcript NM_001040716.2 (MANE Select); coding-DNA position 2338, G replaced by C.
Protein change: p.Val780Leu; replaces valine 780 with leucine.
Molecular consequence: missense variant.
Genome position (GRCh38, 1-based): chr11:66,850,809, C>G on the plus strand (G>C on the coding strand, the complement: PC is on the minus strand). VCF-style: chr11-66850809-C-G. GRCh37 (hg19) VCF-style: chr11-66618280-C-G.
Other names: c.2338G>C, p.Val780Leu (NM_000920.4, NM_001439352.1, NM_001439353.1 and 5 more transcripts); short protein forms V780L.
Identifiers: ClinVar variation 4076835 (VCV004076835.1).